The following is an entry in ClinVar:

ClinVar aggregate classification (germline): Pathogenic/Likely pathogenic. Review status: criteria provided, multiple submitters, no conflicts (2 of 4 stars). 3 submissions from 3 submitters: Pathogenic (1); Likely pathogenic (2). Last evaluated 2025-10-28.

Conditions:
Hereditary cancer-predisposing syndrome. Also called: Neoplastic Syndromes, Hereditary; Tumor predisposition; Hereditary neoplastic syndrome; Hereditary Cancer Syndrome. Identifiers: Orphanet 140162, MedGen C0027672, MeSH D009386, MONDO:0015356.
Hereditary breast ovarian cancer syndrome. Also called: Hereditary breast and ovarian cancer; Hereditary breast and ovarian cancer syndrome; Hereditary breast and ovarian cancer syndrome (HBOC); Hereditary breast and/or ovarian cancer syndrome; Breast and ovarian cancer; BRCA1- and BRCA2-Associated Hereditary Breast and Ovarian Cancer. Identifiers: Orphanet 145, MedGen C0677776, MeSH D061325, MONDO:0003582. Disease mechanism: loss of function.

Submissions (3):

Ambry Genetics
Classification: Likely pathogenic for Hereditary cancer-predisposing syndrome. Last evaluated: 2025-10-28. Review status: criteria provided, single submitter. Criteria: Ambry Variant Classification Scheme 2023. Collection method: clinical testing. Allele origin: germline.
Comment: The c.7007+2T>G intronic variant results from a T to G substitution two nucleotides after coding exon 12 in the BRCA2 gene. This nucleotide position is highly conserved in available vertebrate species. In silico splice site analysis predicts that this alteration will weaken the native splice donor site. RNA studies have demonstrated that this alteration results in abnormal splicing in the set of samples tested (Ambry internal data). This variant is considered to be rare based on population cohorts in the Genome Aggregation Database (gnomAD). Alterations that disrupt the canonical splice site are expected to cause aberrant splicing, resulting in an abnormal protein or a transcript that is subject to nonsense-mediated mRNA decay. As such, this alteration is classified as likely pathogenic.

Labcorp Genetics (formerly Invitae), Labcorp
Classification: Pathogenic for Hereditary breast ovarian cancer syndrome. Last evaluated: 2024-04-05. Review status: criteria provided, single submitter. Criteria: Invitae Variant Classification Sherloc (09022015). Collection method: clinical testing. Allele origin: germline.
Comment: This sequence change affects a donor splice site in intron 13 of the BRCA2 gene. It is expected to disrupt RNA splicing. Variants that disrupt the donor or acceptor splice site typically lead to a loss of protein function (PMID: 16199547), and loss-of-function variants in BRCA2 are known to be pathogenic (PMID: 20104584). This variant is not present in population databases (gnomAD no frequency). Disruption of this splice site has been observed in individual(s) with ovarian cancer (Invitae). It has also been observed to segregate with disease in related individuals. ClinVar contains an entry for this variant (Variation ID: 644062). Algorithms developed to predict the effect of sequence changes on RNA splicing suggest that this variant may disrupt the consensus splice site. For these reasons, this variant has been classified as Pathogenic.

Color Diagnostics, LLC DBA Color Health
Classification: Likely pathogenic for Hereditary cancer-predisposing syndrome. Last evaluated: 2021-01-18. Review status: criteria provided, single submitter. Criteria: ACMG Guidelines, 2015. Collection method: clinical testing. Allele origin: germline.
Comment: This variant causes a T to G nucleotide substitution at the +2 position of intron 13 of the BRCA2 gene. Splice site prediction tools predict that this variant may have a significant impact on RNA splicing. Although this prediction has not been confirmed in published RNA studies, this variant is expected to result in an absent or disrupted protein product. This variant has not been reported in individuals affected with hereditary cancer in the literature. This variant has not been identified in the general population by the Genome Aggregation Database (gnomAD). Loss of BRCA2 function is a known mechanism of disease. Based on the available evidence, this variant is classified as Likely Pathogenic.

Literature cited by the submitters: PubMed 16199547 (cited by Labcorp Genetics (formerly Invitae), Labcorp); PubMed 20104584 (cited by Labcorp Genetics (formerly Invitae), Labcorp).

NM_000059.4(BRCA2):c.7007+2T>G

Gene: BRCA2 (BRCA2 DNA repair associated; plus strand). Cytogenetic location: 13q13.1.
Variant type: single nucleotide variant.
Coding change: c.7007+2T>G on transcript NM_000059.4 (MANE Select); the canonical splice donor site of the intron after coding-DNA position 7007, T replaced by G.
Molecular consequence: splice donor variant.
Genome position (GRCh38, 1-based): chr13:32,346,898, T>G. VCF-style: chr13-32346898-T-G. GRCh37 (hg19) VCF-style: chr13-32921035-T-G.
Other names: c.7007+2T>G (NM_001406720.1); c.6911+2T>G (NM_001406719.1); c.2075+2T>G (NM_001406721.1); c.590+2T>G (NM_001406722.1).
Identifiers: ClinVar variation 644062 (VCV000644062.11), dbSNP rs886040937, ClinGen allele CA387793206.